The following is an entry in ClinVar:

NM_006031.6(PCNT):c.9329G>A (p.Arg3110Lys)

Gene: PCNT (pericentrin; plus strand). Cytogenetic location: 21q22.3.
Variant type: single nucleotide variant.
Coding change: c.9329G>A on transcript NM_006031.6 (MANE Select); coding-DNA position 9329, G replaced by A.
Protein change: p.Arg3110Lys; replaces arginine 3110 with lysine.
Molecular consequence: missense variant.
Genome position (GRCh38, 1-based): chr21:46,440,138, G>A. VCF-style: chr21-46440138-G-A. GRCh37 (hg19) VCF-style: chr21-47860051-G-A.
Other names: c.8738G>A, p.Arg2913Lys (NM_001315529.2); short protein forms R2913K, R3110K.
Identifiers: ClinVar variation 3349767 (VCV003349767.1).

ClinVar aggregate classification (germline): Uncertain significance (0 of 4 stars; one submission).

Conditions:
PCNT-related disorder. Also called: PCNT-related condition.

gnomAD v4.1: 2 of 1,614,042 alleles (0.00012%); highest among the groups gnomAD compares: African/African-American, 0.0013%; no homozygotes.

Submission:

PreventionGenetics, part of Exact Sciences
Classification: Uncertain significance for PCNT-related condition. Last evaluated: 2023-10-23. Review status: no assertion criteria provided. Collection method: clinical testing. Allele origin: germline.
Comment: The PCNT c.9329G>A variant is predicted to result in the amino acid substitution p.Arg3110Lys. To our knowledge, this variant has not been reported in the literature or in a large population database, indicating this variant is rare. At this time, the clinical significance of this variant is uncertain due to the absence of conclusive functional and genetic evidence.